The following is an entry in ClinVar:

NM_000489.6(ATRX):c.3422G>A (p.Ser1141Asn)

Gene: ATRX (ATRX chromatin remodeler; minus strand). Cytogenetic location: Xq21.1.
Variant type: single nucleotide variant.
Coding change: c.3422G>A on transcript NM_000489.6 (MANE Select); coding-DNA position 3422, G replaced by A.
Protein change: p.Ser1141Asn; replaces serine 1141 with asparagine.
Molecular consequence: missense variant.
Genome position (GRCh38, 1-based): chrX:77,681,834, C>T on the plus strand (G>A on the coding strand, the complement: ATRX is on the minus strand). VCF-style: chrX-77681834-C-T. GRCh37 (hg19) VCF-style: chrX-76937326-C-T.
Other names: p.Ser1141Asn; c.3308G>A, p.Ser1103Asn (NM_138270.5); short protein forms S1103N, S1141N.
Identifiers: ClinVar variation 1342720 (VCV001342720.6), dbSNP rs782785569, ClinGen allele CA413706532.

ClinVar aggregate classification (germline): Conflicting classifications of pathogenicity. Review status: criteria provided, conflicting classifications (1 of 4 stars). 2 submissions from 2 submitters: Uncertain significance (1); Likely benign (1). Last evaluated 2023-10-09.

Conditions:
Intellectual disability-hypotonic facies syndrome, X-linked, 1 (MRXHF1). Also called: CHUDLEY-LOWRY SYNDROME; Chudley syndrome 1; Chudley-Lowry-Hoar syndrome; Carpenter-Waziri syndrome; Smith Fineman Myers syndrome 1; HOLMES-GANG SYNDROME. Identifiers: Orphanet 73220, Orphanet 93970, Orphanet 93971, Orphanet 93972, Orphanet 93973, Orphanet 93974, Orphanet 93975, MedGen C4759781, MONDO:0010663, OMIM 309580.
Alpha thalassemia-X-linked intellectual disability syndrome (ATRX). Also called: ATR-X syndrome; Alpha thalassemia mental retardation syndrome, nondeletion type, X-linked; XLMR hypotonic face syndrome; X-linked alpha-thalassemia-mental retardation syndrome; ALPHA-THALASSEMIA/IMPAIRED INTELLECTUAL DEVELOPMENT SYNDROME, X-LINKED; ALPHA-THALASSEMIA/MENTAL RETARDATION SYNDROME, X-LINKED. Identifiers: Orphanet 847, MedGen C1845055, MONDO:0010519, OMIM 301040.

Allele frequency attached by ClinVar (database versions not stated): gnomAD 0.00001.
gnomAD v4.1: 4 of 1,198,422 alleles (0.00033%); highest among the groups gnomAD compares: South Asian, 0.0074%; no homozygotes.

Submissions (2):

Labcorp Genetics (formerly Invitae), Labcorp
Classification: Likely benign for Alpha thalassemia-X-linked intellectual disability syndrome. Last evaluated: 2023-10-09. Review status: criteria provided, single submitter. Criteria: Invitae Variant Classification Sherloc (09022015). Collection method: clinical testing. Allele origin: germline.

Foundation for Research in Genetics and Endocrinology, FRIGE's Institute of Human Genetics
Classification: Uncertain significance for Intellectual disability-hypotonic facies syndrome, X-linked, 1. Last evaluated: 2021-11-14. Review status: criteria provided, single submitter. Criteria: ACMG Guidelines, 2015. Collection method: clinical testing. Allele origin: germline. Inheritance: X-linked recessive inheritance. Affected: yes. Observed: 1 hemizygote.
Comment: A hemizygous missense variation in exon 9 of the ATRX gene that results in the amino acid substitution of Asparagine for Serine at codon 1141 was detected. The observed variant c.3422G>A (p.Ser1141Asn) has not been reported in the 1000 genomes and gnomAD database. The reference codon is conserved across species. In summary, the variant meets our criteria to be classified as a variant of uncertain significance.